The following is an entry in ClinVar:

NM_001332.4(CTNND2):c.655G>A (p.Ala219Thr)

Gene: CTNND2 (catenin delta 2; minus strand). Cytogenetic location: 5p15.2.
Variant type: single nucleotide variant.
Coding change: c.655G>A on transcript NM_001332.4 (MANE Select); coding-DNA position 655, G replaced by A.
Protein change: p.Ala219Thr; replaces alanine 219 with threonine.
Molecular consequence: missense variant. On other transcripts: intron variant (3).
Genome position (GRCh38, 1-based): chr5:11,385,187, C>T on the plus strand (G>A on the coding strand, the complement: CTNND2 is on the minus strand). VCF-style: chr5-11385187-C-T. GRCh37 (hg19) VCF-style: chr5-11385299-C-T.
Other names: c.382G>A, p.Ala128Thr (NM_001288715.1); c.-123+11844G>A (NM_001288717.2); c.167-20297G>A (NM_001364128.2, NM_001288716.1); short protein forms A128T, A219T.
Identifiers: ClinVar variation 1317661 (VCV001317661.26), dbSNP rs550349189, ClinGen allele CA114394869.

ClinVar aggregate classification (germline): Conflicting classifications of pathogenicity. Review status: criteria provided, conflicting classifications (1 of 4 stars). 3 submissions from 3 submitters: Uncertain significance (1); Likely benign (2). Last evaluated 2025-05-18.

Conditions:
Inborn genetic diseases. Identifiers: MedGen C0950123, MeSH D030342.

Allele frequency attached by ClinVar (database versions not stated): gnomAD 0.00013 and 0.00018; TOPMed 0.00016; gnomAD exomes 0.00017 and 0.02381; 1000 Genomes Project 30x 0.00031; 1000 Genomes Project 0.00040.
gnomAD v4.1: 182 of 1,046,834 alleles (0.017%); highest among the groups gnomAD compares: South Asian, 0.071%; 1 homozygote.

Submissions (3):

Ambry Genetics
Classification: Uncertain significance for Inborn genetic diseases. Last evaluated: 2025-05-18. Review status: criteria provided, single submitter. Criteria: Ambry Variant Classification Scheme 2023. Collection method: clinical testing. Allele origin: germline.

CeGaT Center for Human Genetics Tuebingen
Classification: Likely benign. Last evaluated: 2024-05-01. Review status: criteria provided, single submitter. Criteria: CeGaT Center For Human Genetics Tuebingen Variant Classification Criteria Version 2. Collection method: clinical testing. Allele origin: germline. Affected: yes. Observed: 2 variant alleles.
Comment: CTNND2: PP2, BS1

GeneDx
Classification: Likely benign. Last evaluated: 2020-11-18. Review status: criteria provided, single submitter. Criteria: GeneDx Variant Classification Process June 2021. Collection method: clinical testing. Allele origin: germline. Affected: yes.